The following is an entry in ClinVar:

ClinVar aggregate classification (germline): Uncertain significance (1 of 4 stars; one submission).

Submission:

Ambry Genetics
Classification: Uncertain significance. Last evaluated: 2021-10-07. Review status: criteria provided, single submitter. Criteria: Ambry Variant Classification Scheme 2023. Collection method: clinical testing. Allele origin: germline.
Comment: The p.A817V variant (also known as c.2450C>T), located in coding exon 22 of the PRKDC gene, results from a C to T substitution at nucleotide position 2450. The alanine at codon 817 is replaced by valine, an amino acid with similar properties. This amino acid position is conserved. In addition, this alteration is predicted to be tolerated by in silico analysis. Since supporting evidence is limited at this time, the clinical significance of this alteration remains unclear.

NM_006904.7(PRKDC):c.2450C>T (p.Ala817Val)

Gene: PRKDC (protein kinase, DNA-activated, catalytic subunit; minus strand). Cytogenetic location: 8q11.21.
Variant type: single nucleotide variant.
Coding change: c.2450C>T on transcript NM_006904.7 (MANE Select); coding-DNA position 2450, C replaced by T.
Protein change: p.Ala817Val; replaces alanine 817 with valine.
Molecular consequence: missense variant.
Genome position (GRCh38, 1-based): chr8:47,918,353, G>A on the plus strand (C>T on the coding strand, the complement: PRKDC is on the minus strand). VCF-style: chr8-47918353-G-A. GRCh37 (hg19) VCF-style: chr8-48830913-G-A.
Other names: c.2450C>T, p.Ala817Val (NM_001081640.2); short protein forms A817V.
Identifiers: ClinVar variation 1791481 (VCV001791481.2), dbSNP rs765915429, ClinGen allele CA371160545.
Genomic context (GRCh38, chr8:47,918,353, plus strand): 5'-GTCTTCTTCAGATGCTTTAACACCACTTTATTAAATCCTTTCTGGGCAGCCCGAGAAAGA[G>A]CTGACACTTCCCAGTTATTCTTGGTCTCATCTATCAATAGTAAACGAAAATAAATTTAAA-3'
Protein context (NP_008835.5, residues 807-827): DETKNNWEVS[Ala817Val]LSRAAQKGFN